The following is an entry in ClinVar:

NM_001346249.2(RALGAPA1):c.6429G>A (p.Lys2143=)

Gene: RALGAPA1 (Ral GTPase activating protein catalytic subunit alpha 1; minus strand). Cytogenetic location: 14q13.2.
Variant type: single nucleotide variant.
Coding change: c.6429G>A on transcript NM_001346249.2 (MANE Select); coding-DNA position 6429, G replaced by A.
Protein change: p.Lys2143=; no amino-acid change (lysine 2143 retained).
Molecular consequence: synonymous variant.
Genome position (GRCh38, 1-based): chr14:35,627,518, C>T on the plus strand (G>A on the coding strand, the complement: RALGAPA1 is on the minus strand). VCF-style: chr14-35627518-C-T. GRCh37 (hg19) VCF-style: chr14-36096724-C-T.
Other names: c.4950G>A, p.Lys1650= (NM_001283043.3); c.5052G>A, p.Lys1684= (NM_001283044.3, NM_001346245.2, NM_001346247.2); c.6288G>A, p.Lys2096= (NM_001330075.3, NM_001346248.2); c.4911G>A, p.Lys1637= (NM_001346243.2, NM_001346246.2, NM_014990.3 and 1 more transcripts).
Identifiers: ClinVar variation 2644168 (VCV002644168.24), dbSNP rs377149069, ClinGen allele CA7156271.

ClinVar aggregate classification (germline): Likely benign (1 of 4 stars; one submission).

Allele frequency attached by ClinVar (database versions not stated): gnomAD exomes 0.00001; TOPMed 0.00001; ExAC 0.00001; gnomAD 0.00001; ESP Exome Variant Server 0.00008.
gnomAD v4.1: 5 of 1,601,598 alleles (0.00031%); highest among the groups gnomAD compares: Admixed American, 0.0017%; no homozygotes.

Submission:

CeGaT Center for Human Genetics Tuebingen
Classification: Likely benign. Last evaluated: 2023-08-01. Review status: criteria provided, single submitter. Criteria: CeGaT Center For Human Genetics Tuebingen Variant Classification Criteria Version 2. Collection method: clinical testing. Allele origin: germline. Affected: yes. Observed: 1 variant allele.
Comment: RALGAPA1: BP4, BP7